The following is an entry in ClinVar:

ClinVar aggregate classification (germline): Pathogenic (1 of 4 stars; one submission).

Conditions:
Retinitis pigmentosa 25 (RP25). Identifiers: Orphanet 791, MedGen C1864446, MONDO:0011272, OMIM 602772.

gnomAD v4.1: 1 of 1,550,018 alleles (0.000065%); highest among the groups gnomAD compares: Non-Finnish European, 0.000087%; no homozygotes.

Submission:

Myriad Genetics, Inc.
Classification: Pathogenic for Retinitis pigmentosa 25. Last evaluated: 2024-04-24. Review status: criteria provided, single submitter. Criteria: Myriad Autosomal Dominant, Autosomal Recessive and X-Linked Classification Criteria (2023). Collection method: clinical testing. Allele origin: unknown.
Comment: NM_001142800.1(EYS):c.3656C>A(S1219*) is expected to be pathogenic in the context of retinitis pigmentosa, EYS-related. This variant is predicted to lead to an abnormal or absent protein product due to the creation of a premature termination codon in EYS, a gene where loss-of-function variants are known to be pathogenic. Please note: this variant was assessed in the context of healthy population screening.

NM_001142800.2(EYS):c.3656C>A (p.Ser1219Ter)

Gene: EYS (EGF-like photoreceptor maintenance factor; minus strand). Cytogenetic location: 6q12.
Variant type: single nucleotide variant.
Coding change: c.3656C>A on transcript NM_001142800.2 (MANE Select); coding-DNA position 3656, C replaced by A.
Protein change: p.Ser1219Ter; replaces serine 1219 with a stop codon.
Molecular consequence: nonsense.
Genome position (GRCh38, 1-based): chr6:64,617,446, G>T on the plus strand (C>A on the coding strand, the complement: EYS is on the minus strand). VCF-style: chr6-64617446-G-T. GRCh37 (hg19) VCF-style: chr6-65327339-G-T.
Other names: c.3656C>A, p.Ser1219Ter (NM_001292009.2); short protein forms S1219*.
Identifiers: ClinVar variation 5012960 (VCV005012960.1).
Genomic context (GRCh38, chr6:64,617,446, plus strand): 5'-TTATTACAACCACAACCACCAGTAATCTTTACCATAAATCCAGGTGTGCATAAACATGTC[G>T]AGCCAGGTTCATTCTCCATGCAGAGTTCATGAACACATGAGTTGGGAATGCACTCAAGCT-3'